The following is an entry in ClinVar:

NM_001367949.2(FAT3):c.11523T>A (p.Ala3841=)

Gene: FAT3 (FAT atypical cadherin 3; plus strand). Cytogenetic location: 11q14.3.
Variant type: single nucleotide variant.
Coding change: c.11523T>A on transcript NM_001367949.2 (MANE Select); coding-DNA position 11523, T replaced by A.
Protein change: p.Ala3841=; no amino-acid change (alanine 3841 retained).
Molecular consequence: synonymous variant.
Genome position (GRCh38, 1-based): chr11:92,859,187, T>A. VCF-style: chr11-92859187-T-A. GRCh37 (hg19) VCF-style: chr11-92592353-T-A.
Other names: c.11523T>A, p.Ala3841= (NM_001008781.3).
Identifiers: ClinVar variation 714049 (VCV000714049.6), dbSNP rs116513992, ClinGen allele CA6228366.

ClinVar aggregate classification (germline): Benign. Review status: criteria provided, multiple submitters, no conflicts (2 of 4 stars). 3 submissions from 3 submitters: Benign (2). 1 of the submissions does not count toward it. Last evaluated 2017-08-08.

Conditions:
FAT3-related disorder. Also called: FAT3-related condition.

Allele frequency attached by ClinVar (database versions not stated): gnomAD exomes 0.00077 and 0.00192; ExAC 0.00245; 1000 Genomes Project 0.00719; ESP Exome Variant Server 0.00758; gnomAD 0.00775 and 0.00842; 1000 Genomes Project 30x 0.00796; TOPMed 0.00858.
gnomAD v4.1: 2,339 of 1,613,760 alleles (0.14%); highest among the groups gnomAD compares: African/African-American, 2.8%; 30 homozygotes.

Submissions (3):

Labcorp Genetics (formerly Invitae), Labcorp
Classification: Benign. Last evaluated: 2017-08-08. Review status: criteria provided, single submitter. Criteria: Invitae Variant Classification Sherloc (09022015). Collection method: clinical testing. Allele origin: germline.

Breakthrough Genomics
Classification: Benign. Review status: criteria provided, single submitter. Criteria: ACMG Guidelines, 2015. Collection method: not provided. Allele origin: germline. Inheritance: Unknown mechanism. Affected: yes.

PreventionGenetics, part of Exact Sciences
Classification: Benign for FAT3-related condition. Last evaluated: 2019-05-28. Review status: no assertion criteria provided. Collection method: clinical testing. Allele origin: germline. Not counted in ClinVar's aggregate classification.
Comment: This variant is classified as benign based on ACMG/AMP sequence variant interpretation guidelines (Richards et al. 2015 PMID: 25741868, with internal and published modifications).